The following is an entry in ClinVar:

NM_003482.4(KMT2D):c.16299C>T (p.Asn5433=)

Gene: KMT2D (lysine methyltransferase 2D; minus strand). Cytogenetic location: 12q13.12.
Variant type: single nucleotide variant.
Coding change: c.16299C>T on transcript NM_003482.4 (MANE Select); coding-DNA position 16299, C replaced by T.
Protein change: p.Asn5433=; no amino-acid change (asparagine 5433 retained).
Molecular consequence: synonymous variant.
Genome position (GRCh38, 1-based): chr12:49,022,629, G>A on the plus strand (C>T on the coding strand, the complement: KMT2D is on the minus strand). VCF-style: chr12-49022629-G-A. GRCh37 (hg19) VCF-style: chr12-49416412-G-A.
Other names: c.16299C>T (NM_003482.3).
Identifiers: ClinVar variation 593136 (VCV000593136.15), dbSNP rs975080118, ClinGen allele CA236630268.
Genomic context (GRCh38, chr12:49,022,629, plus strand): 5'-GGCCCCTCTGCCAGCTCATACCTGCTCTTCGTAGATTTTCTCCCGCCGGTTGGCCACCTC[G>A]TTCCGAATGATGGTGCCAATGTACTCGATAACCATTGTGTGCTTTTCTAGGTCCTTGGCT-3'
Protein context (NP_003473.3, residues 5423-5443): VIEYIGTIIR[Asn5433=]EVANRREKIY

ClinVar aggregate classification (germline): Conflicting classifications of pathogenicity. Review status: criteria provided, conflicting classifications (1 of 4 stars). 4 submissions from 4 submitters: Uncertain significance (1); Likely benign (2). 1 of the submissions does not count toward it. Last evaluated 2025-11-09.

Conditions:
KMT2D-related disorder. Also called: KMT2D-Related Disorders.
Kabuki syndrome. Also called: Kabuki make-up syndrome; NIIKAWA-KUROKI SYNDROME. Identifiers: Orphanet 2322, MedGen C0796004, MONDO:0016512.

Allele frequency attached by ClinVar (database versions not stated): gnomAD 0.00001 and 0.00002; gnomAD exomes 0.00002 and 0.00006; TOPMed 0.00005.
gnomAD v4.1: 27 of 1,613,756 alleles (0.0017%); highest among the groups gnomAD compares: Admixed American, 0.018%; no homozygotes.

Submissions (4):

Labcorp Genetics (formerly Invitae), Labcorp
Classification: Likely benign for Kabuki syndrome. Last evaluated: 2025-11-09. Review status: criteria provided, single submitter. Criteria: Invitae Variant Classification Sherloc (09022015). Collection method: clinical testing. Allele origin: germline.

Blueprint Genetics
Classification: Likely benign. Last evaluated: 2023-07-24. Review status: criteria provided, single submitter. Criteria: ACMG Guidelines, 2015. Collection method: clinical testing. Allele origin: germline.

Eurofins Ntd Llc (ga)
Classification: Uncertain significance. Last evaluated: 2017-07-19. Review status: criteria provided, single submitter. Criteria: EGL Classification Definitions 2015. Collection method: clinical testing. Allele origin: germline. Observed: 1 variant allele, 1 heterozygote.

PreventionGenetics, part of Exact Sciences
Classification: Likely benign for KMT2D-related condition. Last evaluated: 2022-03-14. Review status: no assertion criteria provided. Collection method: clinical testing. Allele origin: germline. Not counted in ClinVar's aggregate classification.
Comment: This variant is classified as likely benign based on ACMG/AMP sequence variant interpretation guidelines (Richards et al. 2015 PMID: 25741868, with internal and published modifications).